The following is an entry in ClinVar:

NM_182931.3(KMT2E):c.3919C>A (p.Pro1307Thr)

Gene: KMT2E (lysine methyltransferase 2E (inactive); plus strand). Cytogenetic location: 7q22.3.
Variant type: single nucleotide variant.
Coding change: c.3919C>A on transcript NM_182931.3 (MANE Select); coding-DNA position 3919, C replaced by A.
Protein change: p.Pro1307Thr; replaces proline 1307 with threonine.
Molecular consequence: missense variant. On other transcripts: intron variant (1).
Genome position (GRCh38, 1-based): chr7:105,110,551, C>A. VCF-style: chr7-105110551-C-A. GRCh37 (hg19) VCF-style: chr7-104750998-C-A.
Other names: c.3919C>A, p.Pro1307Thr (NM_018682.4); c.3844+183C>A (NM_001410908.1); short protein forms P1307T.
Identifiers: ClinVar variation 3660026 (VCV003660026.2).

ClinVar aggregate classification (germline): Uncertain significance (1 of 4 stars; one submission).

Submission:

Labcorp Genetics (formerly Invitae), Labcorp
Classification: Uncertain significance. Last evaluated: 2024-08-15. Review status: criteria provided, single submitter. Criteria: Invitae Variant Classification Sherloc (09022015). Collection method: clinical testing. Allele origin: germline.
Comment: This sequence change replaces proline, which is neutral and non-polar, with threonine, which is neutral and polar, at codon 1307 of the KMT2E protein (p.Pro1307Thr). This variant is not present in population databases (gnomAD no frequency). This variant has not been reported in the literature in individuals affected with KMT2E-related conditions. Invitae Evidence Modeling of protein sequence and biophysical properties (such as structural, functional, and spatial information, amino acid conservation, physicochemical variation, residue mobility, and thermodynamic stability) indicates that this missense variant is not expected to disrupt KMT2E protein function with a negative predictive value of 80%. In summary, the available evidence is currently insufficient to determine the role of this variant in disease. Therefore, it has been classified as a Variant of Uncertain Significance.